The following is an entry in ClinVar:

NM_005751.5(AKAP9):c.7488T>G (p.Asn2496Lys)

Gene: AKAP9 (A-kinase anchoring protein 9; plus strand). Cytogenetic location: 7q21.2.
Variant type: single nucleotide variant.
Coding change: c.7488T>G on transcript NM_005751.5 (MANE Select); coding-DNA position 7488, T replaced by G.
Protein change: p.Asn2496Lys; replaces asparagine 2496 with lysine.
Molecular consequence: missense variant.
Genome position (GRCh38, 1-based): chr7:92,079,621, T>G. VCF-style: chr7-92079621-T-G. GRCh37 (hg19) VCF-style: chr7-91708935-T-G.
Other names: c.2133T>G, p.Asn711Lys (NM_001379277.1); c.7464T>G, p.Asn2488Lys (NM_147185.3); short protein forms N2496K, N2488K, N711K.
Identifiers: ClinVar variation 191521 (VCV000191521.68), dbSNP rs201977551, ClinGen allele CA236885.

ClinVar aggregate classification (germline): Conflicting classifications of pathogenicity. Review status: criteria provided, conflicting classifications (1 of 4 stars). 10 submissions from 10 submitters: Uncertain significance (2); Likely benign (5). 3 of the submissions do not count toward it. Last evaluated 2025-12-08.

Conditions:
Cardiovascular phenotype. Identifiers: MedGen CN230736.
Long QT syndrome (LQTS). Identifiers: MedGen C0023976, MeSH D008133, MONDO:0002442. Disease mechanism: loss of function. Inheritance: Various modes of inheritance.

Allele frequency attached by ClinVar (database versions not stated): ESP Exome Variant Server 0.00015; 1000 Genomes Project 30x 0.00016; 1000 Genomes Project 0.00020; gnomAD 0.00025; TOPMed 0.00031; gnomAD exomes 0.00035.

Submissions (10):

Labcorp Genetics (formerly Invitae), Labcorp
Classification: Uncertain significance for Long QT syndrome. Last evaluated: 2025-12-08. Review status: criteria provided, single submitter. Criteria: Invitae Variant Classification Sherloc (09022015). Collection method: clinical testing. Allele origin: germline.
Comment: This sequence change replaces asparagine, which is neutral and polar, with lysine, which is basic and polar, at codon 2496 of the AKAP9 protein (p.Asn2496Lys). This variant is present in population databases (rs201977551, gnomAD 0.2%), and has an allele count higher than expected for a pathogenic variant. This missense change has been observed in individual(s) with Brugada syndrome (PMID: 30847666). ClinVar contains an entry for this variant (Variation ID: 191521). An algorithm developed to predict the effect of missense changes on protein structure and function (PolyPhen-2) suggests that this variant is likely to be tolerated. In summary, the available evidence is currently insufficient to determine the role of this variant in disease. Therefore, it has been classified as a Variant of Uncertain Significance.

CeGaT Center for Human Genetics Tuebingen
Classification: Likely benign. Last evaluated: 2025-02-01. Review status: criteria provided, single submitter. Criteria: CeGaT Center For Human Genetics Tuebingen Variant Classification Criteria Version 2. Collection method: clinical testing. Allele origin: germline. Affected: yes. Observed: 2 variant alleles.
Comment: AKAP9: BP4, BS1

Blueprint Genetics
Classification: Likely benign. Last evaluated: 2024-11-19. Review status: criteria provided, single submitter. Criteria: ACMG Guidelines, 2015. Collection method: clinical testing. Allele origin: germline.

Ambry Genetics
Classification: Likely benign for Cardiovascular phenotype. Last evaluated: 2016-11-29. Review status: criteria provided, single submitter. Criteria: Ambry Variant Classification Scheme 2023. Collection method: clinical testing. Allele origin: germline.

Stanford Center for Inherited Cardiovascular Disease, Stanford University
Classification: Uncertain significance. Last evaluated: 2015-11-17. Review status: criteria provided, single submitter. Criteria: ACMG Guidelines, 2015. Collection method: provider interpretation. Allele origin: germline.

GeneDx
Classification: Likely benign. Last evaluated: 2015-03-03. Review status: criteria provided, single submitter. Criteria: GeneDx Variant Classification Process June 2021. Collection method: clinical testing. Allele origin: germline. Affected: yes.
Comment: This variant is associated with the following publications: (PMID: 30847666)

Biesecker Lab/Clinical Genomics Section, National Institutes of Health
Classification: Likely benign. Last evaluated: 2013-06-24. Review status: criteria provided, single submitter. Criteria: Ng et al. (Circ Cardiovasc Genet. 2013). Collection method: research. Allele origin: unknown. Observed: 1 variant allele. Study: ClinSeq.
Comment: The study set was not selected for affection status in relation to any cancer. Pathogenicity categories were based on literature curation. See Pubmed ID:23861362 for details.

Medical sequencing

Clinical Genetics, Academic Medical Center
Classification: Likely benign. Review status: no assertion criteria provided. Collection method: clinical testing. Allele origin: germline. Affected: yes. Study: VKGL Data-share Consensus. Not counted in ClinVar's aggregate classification.

Joint Genome Diagnostic Labs from Nijmegen and Maastricht, Radboudumc and MUMC+
Classification: Likely benign. Review status: no assertion criteria provided. Collection method: clinical testing. Allele origin: germline. Affected: yes. Study: VKGL Data-share Consensus. Not counted in ClinVar's aggregate classification.

Laboratory of Diagnostic Genome Analysis, Leiden University Medical Center (LUMC)
Classification: Likely benign. Review status: no assertion criteria provided. Collection method: clinical testing. Allele origin: germline. Affected: yes. Study: VKGL Data-share Consensus. Not counted in ClinVar's aggregate classification.

Literature cited by the submitters: PubMed 30847666 (cited by Labcorp Genetics (formerly Invitae), Labcorp); PubMed 23861362 (cited by Ambry Genetics).